The following is an entry in ClinVar:

NM_018418.5(SPATA7):c.1003G>A (p.Asp335Asn)

Gene: SPATA7 (spermatogenesis associated 7; plus strand). Cytogenetic location: 14q31.3.
Variant type: single nucleotide variant.
Coding change: c.1003G>A on transcript NM_018418.5 (MANE Select); coding-DNA position 1003, G replaced by A.
Protein change: p.Asp335Asn; replaces aspartic acid 335 with asparagine.
Molecular consequence: missense variant.
Genome position (GRCh38, 1-based): chr14:88,429,438, G>A. VCF-style: chr14-88429438-G-A. GRCh37 (hg19) VCF-style: chr14-88895782-G-A.
Other names: c.907G>A, p.Asp303Asn (NM_001040428.4); short protein forms D303N, D335N.
Identifiers: ClinVar variation 1486739 (VCV001486739.8), dbSNP rs1383336971, ClinGen allele CA390567447.

ClinVar aggregate classification (germline): Uncertain significance (1 of 4 stars; one submission).

Conditions:
Leber congenital amaurosis 3 (LCA3). Also called: SPATA7-Related Retinitis Pigmentosa. Identifiers: MedGen C1858677, MONDO:0011415, OMIM 604232.

Allele frequency attached by ClinVar (database versions not stated): gnomAD exomes below 0.00001; TOPMed below 0.00001; gnomAD 0.00001.
gnomAD v4.1: 4 of 1,611,666 alleles (0.00025%); highest among the groups gnomAD compares: African/African-American, 0.0053%; no homozygotes.

Submission:

Labcorp Genetics (formerly Invitae), Labcorp
Classification: Uncertain significance for Leber congenital amaurosis 3. Last evaluated: 2022-09-27. Review status: criteria provided, single submitter. Criteria: Invitae Variant Classification Sherloc (09022015). Collection method: clinical testing. Allele origin: germline.
Comment: In summary, the available evidence is currently insufficient to determine the role of this variant in disease. Therefore, it has been classified as a Variant of Uncertain Significance. This sequence change replaces aspartic acid, which is acidic and polar, with asparagine, which is neutral and polar, at codon 335 of the SPATA7 protein (p.Asp335Asn). This variant is present in population databases (no rsID available, gnomAD 0.01%). This variant has not been reported in the literature in individuals affected with SPATA7-related conditions. ClinVar contains an entry for this variant (Variation ID: 1486739). Advanced modeling of protein sequence and biophysical properties (such as structural, functional, and spatial information, amino acid conservation, physicochemical variation, residue mobility, and thermodynamic stability) performed at Invitae indicates that this missense variant is not expected to disrupt SPATA7 protein function.